The following is an entry in ClinVar:

ClinVar aggregate classification (germline): Pathogenic (1 of 4 stars; one submission).

Conditions:
Myasthenic syndrome, congenital, 22 (CMS22). Also called: PREPL DEFICIENCY. Identifiers: MedGen C4479088, MONDO:0044299, OMIM 616224.

Submission:

Labcorp Genetics (formerly Invitae), Labcorp
Classification: Pathogenic for Myasthenic syndrome, congenital, 22. Last evaluated: 2025-06-24. Review status: criteria provided, single submitter. Criteria: Invitae Variant Classification Sherloc (09022015). Collection method: clinical testing. Allele origin: germline.
Comment: This sequence change creates a premature translational stop signal (p.Asp213Metfs*55) in the PREPL gene. It is expected to result in an absent or disrupted protein product. Loss-of-function variants in PREPL are known to be pathogenic (PMID: 24610330, 28726805, 29913539). This variant is not present in population databases (gnomAD no frequency). This variant has not been reported in the literature in individuals affected with PREPL-related conditions. For these reasons, this variant has been classified as Pathogenic.

Literature cited by the submitters: PubMed 24610330; PubMed 28726805; PubMed 29913539.

NM_001171613.2(PREPL):c.370del (p.Asp124fs)

Gene: PREPL (prolyl endopeptidase like; minus strand). Cytogenetic location: 2p21.
Variant type: Deletion.
Coding change: c.370del on transcript NM_001171613.2 (MANE Select); coding-DNA position 370, one base deleted (G; older notation c.370delG).
Protein change: p.Asp124fs; shifts the reading frame from aspartic acid 124.
Molecular consequence: frameshift variant.
Genome position (GRCh38, 1-based): chr2:44,342,532, C deleted on the plus strand (G on the coding strand, the reverse complement: PREPL is on the minus strand). VCF-style (leftmost placement, unchanged base first): chr2-44342531-TC-T. GRCh37 (hg19) VCF-style: chr2-44569670-TC-T.
Other names: c.637del, p.Asp213fs (NM_001042385.2, NM_001042386.2, NM_001171603.1 and 4 more transcripts); c.370del, p.Asp124fs (NM_001171617.1, NM_001374277.1); short protein forms D213fs, D124fs.
Identifiers: ClinVar variation 4774194 (VCV004774194.1).